The following is an entry in ClinVar:

NM_152281.3(GORAB):c.87_170delinsGGAGGTCTCTGG (p.Pro30_Ser57delinsGluValSerGly)

Gene: GORAB (golgin, RAB6 interacting; plus strand). Cytogenetic location: 1q24.2.
Variant type: Indel.
Coding change: c.87_170delinsGGAGGTCTCTGG on transcript NM_152281.3 (MANE Select); coding-DNA positions 87 to 170, the reference bases replaced by GGAGGTCTCTGG.
Protein change: p.Pro30_Ser57delinsGluValSerGly.
Molecular consequence: inframe indel. On other transcripts: 5 prime UTR variant (1), non-coding transcript variant (1).
Genome position (GRCh38, 1-based): chr1:170,539,235-170,539,318, 84 bases replaced. GRCh37 (hg19): chr1:170,508,376-170,508,459.
Other names: c.87_170delinsGGAGGTCTCTGG, p.Pro30_Ser57delinsGluValSerGly (NM_001146039.2); c.-379_-296delinsGGAGGTCTCTGG (NM_001320252.2); c.36_119delinsGGAGGTCTCTGG, p.Pro13_Ser40delinsGluValSerGly (NM_001410894.1).
Identifiers: ClinVar variation 4798690 (VCV004798690.1).

ClinVar aggregate classification (germline): Uncertain significance (1 of 4 stars; one submission).

Submission:

Labcorp Genetics (formerly Invitae), Labcorp
Classification: Uncertain significance. Last evaluated: 2025-03-15. Review status: criteria provided, single submitter. Criteria: Invitae Variant Classification Sherloc (09022015). Collection method: clinical testing. Allele origin: germline.
Comment: This variant, c.162_245delinsGGAGGTCTCTGG, is a complex sequence change that results in the deletion of 28 and insertion of 4 amino acid(s) in the GORAB protein (p.Pro55_Ser82delinsGluValSerGly). This variant is not present in population databases (gnomAD no frequency). This variant has not been reported in the literature in individuals affected with GORAB-related conditions. Experimental studies and prediction algorithms are not available or were not evaluated, and the functional significance of this variant is currently unknown. In summary, the available evidence is currently insufficient to determine the role of this variant in disease. Therefore, it has been classified as a Variant of Uncertain Significance.